The following is an entry in ClinVar:

ClinVar aggregate classification (germline): Conflicting classifications of pathogenicity. Review status: criteria provided, conflicting classifications (1 of 4 stars). 16 submissions from 15 submitters: Uncertain significance (12); Likely benign (1). 3 of the submissions do not count toward it. Last evaluated 2026-02-27.

Conditions:
Familial ovarian cancer. Identifiers: MedGen C5679802, MONDO:0016248.
BRIP1-related disorder. Also called: BRIP1-related condition; BRIP1-related disorders. Identifiers: MedGen CN239206.
Fanconi anemia complementation group J. Also called: BRIP1-Related Fanconi Anemia. Identifiers: Orphanet 84, MedGen C1836860, MONDO:0012187, OMIM 609054.
Familial cancer of breast. Also called: BREAST CANCER, FAMILIAL; Hereditary breast cancer; hereditary breast carcinoma. Identifiers: Orphanet 227535, MedGen C0346153, MONDO:0016419, OMIM 114480. Disease mechanism: loss of function.
Hereditary cancer-predisposing syndrome. Also called: Tumor predisposition; Neoplastic Syndromes, Hereditary; Hereditary neoplastic syndrome; Hereditary Cancer Syndrome. Identifiers: Orphanet 140162, MedGen C0027672, MeSH D009386, MONDO:0015356.
Ovarian cancer. Also called: OVARIAN CANCER, SOMATIC. Identifiers: Orphanet 213500, MedGen C1140680, MONDO:0008170, OMIM 167000.
Hereditary breast ovarian cancer syndrome. Also called: Hereditary breast and ovarian cancer syndrome; Hereditary breast and ovarian cancer; Hereditary breast and ovarian cancer syndrome (HBOC); Hereditary breast and/or ovarian cancer syndrome; BRCA1- and BRCA2-Associated Hereditary Breast and Ovarian Cancer; Breast and ovarian cancer. Identifiers: Orphanet 145, MedGen C0677776, MeSH D061325, MONDO:0003582. Disease mechanism: loss of function.
Malignant tumor of breast. Also called: Malignant breast neoplasm; Cancer breast. Identifiers: MedGen C0006142, MONDO:0007254. Disease mechanism: loss of function.

Allele frequency attached by ClinVar (database versions not stated): TOPMed 0.00002; gnomAD exomes 0.00003 and 0.00004; gnomAD 0.00001; ExAC 0.00002.
gnomAD v4.1: 54 of 1,609,004 alleles (0.0034%); highest among the groups gnomAD compares: Non-Finnish European, 0.0045%; no homozygotes.

Submissions (16):

PreventionGenetics, part of Exact Sciences
Classification: Uncertain significance for BRIP1-related condition. Last evaluated: 2026-02-27. Review status: criteria provided, single submitter. Criteria: ACMG Guidelines, 2015. Collection method: clinical testing. Allele origin: germline.
Comment: The BRIP1 c.2441G>A variant is predicted to result in the amino acid substitution p.Arg814His. This variant was reported in individuals with various cancers including breast, colorectal, lymphoma, prostate, and also in individuals without cancer (Supp Table 2, Seal et al. 2006. PubMed ID: 17033622; Supp. Table 1, Chan et al. 2018. PubMed ID: 30093976; Hampel et al. 2018. PubMed ID: 29596542; Table S4, Bhai et al. 2021. PubMed ID: 34326862; Supp. Table 5, Momozawa et al. 2020. PubMed ID: 31214711; Breast Cancer Association Consortium et al. 2021. PubMed ID: 33471991). This variant is reported in 0.0071% of alleles in individuals of European (Non-Finnish) descent in gnomAD. This variant has conflicting interpretations in ClinVar ranging from uncertain to likely benign (Variation ID: 141744). At this time, the clinical significance of this variant is uncertain due to the absence of conclusive functional and genetic evidence.

Labcorp Genetics (formerly Invitae), Labcorp
Classification: Uncertain significance for Familial cancer of breast; Fanconi anemia complementation group J. Last evaluated: 2026-01-27. Review status: criteria provided, single submitter. Criteria: Invitae Variant Classification Sherloc (09022015). Collection method: clinical testing. Allele origin: germline.
Comment: This sequence change replaces arginine, which is basic and polar, with histidine, which is basic and polar, at codon 814 of the BRIP1 protein (p.Arg814His). This variant is present in population databases (rs45468199, gnomAD 0.008%). This missense change has been observed in individual(s) with lymphoma, paraganglioma, breast and/or colon cancer (PMID: 17033622, 26921362, 29596542, 30093976). ClinVar contains an entry for this variant (Variation ID: 141744). Invitae Evidence Modeling of protein sequence and biophysical properties (such as structural, functional, and spatial information, amino acid conservation, physicochemical variation, residue mobility, and thermodynamic stability) indicates that this missense variant is not expected to disrupt BRIP1 protein function with a negative predictive value of 95%. In summary, the available evidence is currently insufficient to determine the role of this variant in disease. Therefore, it has been classified as a Variant of Uncertain Significance.

Center for Genomic Medicine, Rigshospitalet, Copenhagen University Hospital
Classification: Uncertain significance. Last evaluated: 2025-03-04. Review status: criteria provided, single submitter. Criteria: ACMG Guidelines, 2015. Collection method: clinical testing. Allele origin: germline.

Molecular Pathology, Peter Maccallum Cancer Centre
Classification: Uncertain significance for Familial ovarian cancer. Last evaluated: 2024-08-20. Review status: criteria provided, single submitter. Criteria: ACMG Guidelines, 2015. Collection method: clinical testing. Allele origin: germline. Inheritance: Autosomal dominant inheritance.

Baylor Genetics
Classification: Uncertain significance for Familial cancer of breast. Last evaluated: 2023-11-30. Review status: criteria provided, single submitter. Criteria: ACMG Guidelines, 2015. Collection method: clinical testing. Allele origin: unknown.

Color Diagnostics, LLC DBA Color Health
Classification: Uncertain significance for Hereditary cancer-predisposing syndrome. Last evaluated: 2023-11-21. Review status: criteria provided, single submitter. Criteria: ACMG Guidelines, 2015. Collection method: clinical testing. Allele origin: germline.
Comment: This missense variant replaces arginine with histidine at codon 814 of the BRIP1 protein. Computational prediction suggests that this variant may not impact protein structure and function. To our knowledge, functional studies have not been reported for this variant. This variant has been reported in two individuals affected with breast cancer (PMID: 17033622, 26921362) and in one individual each affected with pancreatic cancer (PMID: 36896836) and colorectal cancer (PMID: 30093976). This variant also has been detected in a breast cancer case-control meta-analysis in 10/60466 cases and 10/53461 unaffected individuals (PMID: 33471991; Leiden Open Variation Database DB-ID BRIP1_000227) and in a prostate cancer case-control study in 1/7636 cases and absent in 12366 unaffected individuals (PMID: 31214711). This variant has been identified in 8/250268 chromosomes in the general population by the Genome Aggregation Database (gnomAD). The available evidence is insufficient to determine the role of this variant in disease conclusively. Therefore, this variant is classified as a Variant of Uncertain Significance.

GeneDx
Classification: Uncertain significance. Last evaluated: 2023-08-10. Review status: criteria provided, single submitter. Criteria: GeneDx Variant Classification Process June 2021. Collection method: clinical testing. Allele origin: germline. Affected: yes.
Comment: In silico analysis supports that this missense variant does not alter protein structure/function; Observed in individuals with breast cancer and also in unaffected controls (Seal et al., 2006; Easton et al., 2016; Bhai et al., 2021; Dorling et al., 2021); This variant is associated with the following publications: (PMID: 24705251, 30093976, 26921362, 22722202, 17033622, 29596542, 32566746, 34326862, 33471991)

Blueprint Genetics
Classification: Uncertain significance. Last evaluated: 2023-07-26. Review status: criteria provided, single submitter. Criteria: ACMG Guidelines, 2015. Collection method: clinical testing. Allele origin: germline.

Myriad Genetics, Inc.
Classification: Uncertain significance for Familial cancer of breast. Last evaluated: 2023-03-01. Review status: criteria provided, single submitter. Criteria: Myriad Autosomal Dominant, Autosomal Recessive and X-Linked Classification Criteria (2023). Collection method: clinical testing. Allele origin: unknown.
Comment: This variant is classified as a variant of uncertain significance as there is insufficient evidence to determine its impact on protein function and/or cancer risk.

Sema4
Classification: Uncertain significance for Hereditary cancer-predisposing syndrome. Last evaluated: 2021-11-06. Review status: criteria provided, single submitter. Criteria: Sema4 Curation Guidelines. Collection method: curation. Allele origin: germline.
Comment: The BRIP1 c.2441G>A (p.R814H) variant has been reported in individuals with breast and colorectal cancers, and was also identified in one individual diagnosed with lymphoma, colorectal cancer, and a paraganglioma (PMID: 33471991, 30093976, 17033622, 26921362, 29596542). This variant has also been reported in healthy controls (PMID: 33471991). It was observed in 8/113256 chromosomes of the Non-Finnish European subpopulation in the large and broad cohorts of the Genome Aggregation Database (PMID: 32461654). The variant has been reported in ClinVar (Variation ID: 141744). Functional studies have not been performed, and in silico predictions of the variant's effect on protein function are inconclusive. The evidence is insufficient to meet ACMG/AMP criteria for classifying the variant as benign or pathogenic. Thus, the clinical significance of this variant is currently uncertain.

Ambry Genetics
Classification: Likely benign for Hereditary cancer-predisposing syndrome. Last evaluated: 2020-11-04. Review status: criteria provided, single submitter. Criteria: Ambry Variant Classification Scheme 2023. Collection method: clinical testing. Allele origin: germline.

Quest Diagnostics Nichols Institute San Juan Capistrano
Classification: Uncertain significance. Last evaluated: 2020-05-22. Review status: criteria provided, single submitter. Criteria: Quest Diagnostics criteria. Collection method: clinical testing. Allele origin: unknown.

Cancer Genomics Group, Japanese Foundation For Cancer Research
Classification: Uncertain significance for Hereditary breast and ovarian cancer syndrome. Last evaluated: 2019-05-01. Review status: criteria provided, single submitter. Criteria: ACMG Guidelines, 2015. Collection method: research. Allele origin: germline. Affected: yes.

Counsyl
Classification: Uncertain significance for Fanconi anemia complementation group J. Last evaluated: 2016-11-14. Review status: no assertion criteria provided. Collection method: clinical testing. Allele origin: unknown. Not counted in ClinVar's aggregate classification.

Counsyl
Classification: Uncertain significance for Ovarian cancer. Last evaluated: 2016-11-14. Review status: no assertion criteria provided. Collection method: clinical testing. Allele origin: unknown. Not counted in ClinVar's aggregate classification.

Department of Pathology and Laboratory Medicine, Sinai Health System
Classification: Uncertain significance for Malignant tumor of breast. Review status: no assertion criteria provided. Collection method: clinical testing. Allele origin: unknown. Affected: yes. Observed: 1 variant allele. Study: The Canadian Open Genetics Repository (COGR). Not counted in ClinVar's aggregate classification.
Comment: The BRIP1 p.Arg814His variant was identified in 3 of 28850 proband chromosomes (frequency: 0.0001) from individuals or families with breast cancer and was not identified in 14646 control chromosomes from healthy individuals (Easton 2016, Seal 2006). The variant was also identified in dbSNP (ID: rs45468199) as "With Uncertain significance allele" and ClinVar (classified as uncertain significance by Invitae, Ambry Genetics, GeneDx and Counsyl). The variant was identified in control databases in 9 of 245184 chromosomes at a frequency of 0.00004 (Genome Aggregation Database Feb 27, 2017). The variant was observed in the European population in 9 of 111266 chromosomes (freq: 0.00008), but not in the African, Other, Latino, Ashkenazi Jewish, East Asian, Finnish, or South Asian populations. The p.Arg814 residue is conserved in mammals and computational analyses (PolyPhen-2, SIFT, AlignGVGD, BLOSUM, MutationTaster) provide inconsistent predictions regarding the impact to the protein; this information is not very predictive of pathogenicity. The variant occurs outside of the splicing consensus sequence and 1 of 4 in silico or computational prediction software programs (SpliceSiteFinder, MaxEntScan, NNSPLICE, GeneSplicer) predict a greater than 10% difference in splicing; this is not very predictive of pathogenicity. In summary, based on the above information, the clinical significance of this variant cannot be determined with certainty at this time. This variant is classified as a variant of uncertain significance.

Literature cited by the submitters: PubMed 17033622 (cited by 5 submitters); PubMed 26921362 (cited by 4 submitters); PubMed 29596542 (cited by Labcorp Genetics (formerly Invitae), Labcorp and Sema4); PubMed 30093976 (cited by 5 submitters); PubMed 31214711 (cited by Color Diagnostics, LLC DBA Color Health); PubMed 33471991 (cited by Color Diagnostics, LLC DBA Color Health and Sema4); PubMed 36896836 (cited by Color Diagnostics, LLC DBA Color Health).

NM_032043.3(BRIP1):c.2441G>A (p.Arg814His)

Gene: BRIP1 (BRCA1 interacting DNA helicase 1; minus strand). Cytogenetic location: 17q23.2.
Variant type: single nucleotide variant.
Coding change: c.2441G>A on transcript NM_032043.3 (MANE Select); coding-DNA position 2441, G replaced by A.
Protein change: p.Arg814His; replaces arginine 814 with histidine.
Molecular consequence: missense variant.
Genome position (GRCh38, 1-based): chr17:61,716,002, C>T on the plus strand (G>A on the coding strand, the complement: BRIP1 is on the minus strand). VCF-style: chr17-61716002-C-T. GRCh37 (hg19) VCF-style: chr17-59793363-C-T.
Other names: short protein forms R814H.
Identifiers: ClinVar variation 141744 (VCV000141744.39), dbSNP rs45468199, ClinGen allele CA166286.